The following is an entry in ClinVar:

NM_000465.4(BARD1):c.1854G>A (p.Leu618=)

Gene: BARD1 (BRCA1 associated RING domain 1; minus strand). Cytogenetic location: 2q35.
Variant type: single nucleotide variant.
Coding change: c.1854G>A on transcript NM_000465.4 (MANE Select); coding-DNA position 1854, G replaced by A.
Protein change: p.Leu618=; no amino-acid change (leucine 618 retained).
Molecular consequence: synonymous variant. On other transcripts: non-coding transcript variant (3), intron variant (1).
Genome position (GRCh38, 1-based): chr2:214,745,116, C>T on the plus strand (G>A on the coding strand, the complement: BARD1 is on the minus strand). VCF-style: chr2-214745116-C-T. GRCh37 (hg19) VCF-style: chr2-215609840-C-T.
Other names: c.1797G>A, p.Leu599= (NM_001282543.2); c.501G>A, p.Leu167= (NM_001282545.2); c.444G>A, p.Leu148= (NM_001282548.2); c.365-14608G>A (NM_001282549.2).
Identifiers: ClinVar variation 3378656 (VCV003378656.1).
Genomic context (GRCh38, chr2:214,745,116, plus strand): 5'-CCAACACTTACATTCAAATTTTAGAATCCAGCATCCATTGAGAATCCCAAGCATACACTT[C>T]AAGGTACTTTGAACTGCATCACCAGGAACAACAACATGAGTTACTAAAATACAAAAAAAG-3'
Protein context (NP_000456.2, residues 608-628): VVPGDAVQST[Leu618=]KCMLGILNGC

ClinVar aggregate classification (germline): Benign (1 of 4 stars; one submission).

Conditions:
Familial cancer of breast. Also called: hereditary breast carcinoma; Hereditary breast cancer; BREAST CANCER, FAMILIAL. Identifiers: Orphanet 227535, MedGen C0346153, MONDO:0016419, OMIM 114480. Disease mechanism: loss of function.

Submission:

Myriad Genetics, Inc.
Classification: Benign for Familial cancer of breast. Last evaluated: 2024-07-26. Review status: criteria provided, single submitter. Criteria: Myriad Autosomal Dominant, Autosomal Recessive and X-Linked Classification Criteria (2023). Collection method: clinical testing. Allele origin: unknown.
Comment: This variant is considered benign. This variant is a silent/synonymous amino acid change and it is not expected to impact splicing.